The following is an entry in ClinVar:

ClinVar aggregate classification (germline): Uncertain significance (1 of 4 stars; one submission).

Conditions:
Familial adenomatous polyposis 1 (FAP1). Also called: FAMILIAL ADENOMATOUS POLYPOSIS 1, ATTENUATED; POLYPOSIS, ADENOMATOUS INTESTINAL. Identifiers: MedGen C2713442, MONDO:0021056, OMIM 175100. Disease mechanism: loss of function.

Submission:

Labcorp Genetics (formerly Invitae), Labcorp
Classification: Uncertain significance for Familial adenomatous polyposis 1. Last evaluated: 2025-12-30. Review status: criteria provided, single submitter. Criteria: Invitae Variant Classification Sherloc (09022015). Collection method: clinical testing. Allele origin: germline.
Comment: This sequence change replaces glycine, which is neutral and non-polar, with glutamic acid, which is acidic and polar, at codon 857 of the APC protein (p.Gly857Glu). This variant is not present in population databases (gnomAD no frequency). This variant has not been reported in the literature in individuals affected with APC-related conditions. Invitae Evidence Modeling of protein sequence and biophysical properties (such as structural, functional, and spatial information, amino acid conservation, physicochemical variation, residue mobility, and thermodynamic stability) indicates that this missense variant is not expected to disrupt APC protein function with a negative predictive value of 95%. In summary, the available evidence is currently insufficient to determine the role of this variant in disease. Therefore, it has been classified as a Variant of Uncertain Significance.

NM_000038.6(APC):c.2570G>A (p.Gly857Glu)

Gene: APC (APC regulator of Wnt signaling pathway; plus strand). Cytogenetic location: 5q22.2.
Variant type: single nucleotide variant.
Coding change: c.2570G>A on transcript NM_000038.6 (MANE Select); coding-DNA position 2570, G replaced by A.
Protein change: p.Gly857Glu; replaces glycine 857 with glutamic acid.
Molecular consequence: missense variant. On other transcripts: non-coding transcript variant (2).
Genome position (GRCh38, 1-based): chr5:112,838,164, G>A. VCF-style: chr5-112838164-G-A. GRCh37 (hg19) VCF-style: chr5-112173861-G-A.
Other names: c.2624G>A, p.Gly875Glu (NM_001407448.1, NM_001407449.1, NM_001354896.2 and 1 more transcripts); c.2570G>A, p.Gly857Glu (NM_001407450.1, NM_001127510.3, NM_001354895.2); c.2549G>A, p.Gly850Glu (NM_001407451.1); c.2540G>A, p.Gly847Glu (NM_001407452.1); c.2393G>A, p.Gly798Glu (NM_001407453.1, NM_001354901.2); c.2321G>A, p.Gly774Glu (NM_001407454.1, NM_001407455.1, NM_001407456.1 and 1 more transcripts); c.2267G>A, p.Gly756Glu (NM_001407458.1, NM_001407459.1, NM_001407460.1 and 1 more transcripts); c.2183G>A, p.Gly728Glu (NM_001407467.1, NM_001407469.1); and 11 more; short protein forms G473E, G574E, G697E, G728E, G731E, G756E, G766E, G774E.
Identifiers: ClinVar variation 4801453 (VCV004801453.1).